The following is an entry in ClinVar:

NM_001007525.5(NWD1):c.541C>T (p.Arg181Trp)

Gene: NWD1 (NACHT and WD repeat domain containing 1; plus strand). Cytogenetic location: 19p13.11.
Variant type: single nucleotide variant.
Coding change: c.541C>T on transcript NM_001007525.5 (MANE Select); coding-DNA position 541, C replaced by T.
Protein change: p.Arg181Trp; replaces arginine 181 with tryptophan.
Molecular consequence: missense variant. On other transcripts: 5 prime UTR variant (1).
Genome position (GRCh38, 1-based): chr19:16,749,183, C>T. VCF-style: chr19-16749183-C-T. GRCh37 (hg19) VCF-style: chr19-16859994-C-T.
Other names: c.136C>T, p.Arg46Trp (NM_001290355.3); c.-78C>T (NM_001347994.1); short protein forms R181W, R46W.
Identifiers: ClinVar variation 2649516 (VCV002649516.24), dbSNP rs140045971, ClinGen allele CA9281487.

ClinVar aggregate classification (germline): Likely benign (1 of 4 stars; one submission).

Allele frequency attached by ClinVar (database versions not stated): 1000 Genomes Project 30x 0.00078; 1000 Genomes Project 0.00100; TOPMed 0.00121; ESP Exome Variant Server 0.00123; gnomAD 0.00161; gnomAD exomes 0.00193; ExAC 0.00195.
gnomAD v4.1: 3,046 of 1,612,846 alleles (0.19%); highest among the groups gnomAD compares: Non-Finnish European, 0.2%; 6 homozygotes.

Submission:

CeGaT Center for Human Genetics Tuebingen
Classification: Likely benign. Last evaluated: 2022-10-01. Review status: criteria provided, single submitter. Criteria: CeGaT Center For Human Genetics Tuebingen Variant Classification Criteria Version 2. Collection method: clinical testing. Allele origin: germline. Affected: yes. Observed: 1 variant allele.
Comment: NWD1: BP4, BS2